The following is an entry in ClinVar:

NM_002335.4(LRP5):c.2022C>T (p.Val674=)

Gene: LRP5 (LDL receptor related protein 5; plus strand). Cytogenetic location: 11q13.2.
Variant type: single nucleotide variant.
Coding change: c.2022C>T on transcript NM_002335.4 (MANE Select); coding-DNA position 2022, C replaced by T.
Protein change: p.Val674=; no amino-acid change (valine 674 retained).
Molecular consequence: synonymous variant.
Genome position (GRCh38, 1-based): chr11:68,406,744, C>T. VCF-style: chr11-68406744-C-T. GRCh37 (hg19) VCF-style: chr11-68174212-C-T.
Other names: c.279C>T, p.Val93= (NM_001291902.2).
Identifiers: ClinVar variation 739921 (VCV000739921.12), dbSNP rs748257457, ClinGen allele CA6149511.
Genomic context (GRCh38, chr11:68,406,744, plus strand): 5'-CATCCACAGGATCTCCCTCGAGACCAATAACAACGACGTGGCCATCCCGCTCACGGGCGT[C>T]AAGGAGGCCTCAGCCCTGGACTTTGATGTGTCCAACAACCACATCTACTGGACAGACGTC-3'
Protein context (NP_002326.2, residues 664-684): NNDVAIPLTG[Val674=]KEASALDFDV

ClinVar aggregate classification (germline): Likely benign. Review status: criteria provided, multiple submitters, no conflicts (2 of 4 stars). 4 submissions from 4 submitters: Likely benign (3). 1 of the submissions does not count toward it. Last evaluated 2025-08-19.

Conditions:
Bone mineral density quantitative trait locus 1 (BMND1). Identifiers: MedGen C1866079, OMIM 601884.
Exudative vitreoretinopathy 4 (EVR4). Identifiers: Orphanet 891, MedGen C1866176, MONDO:0011151, OMIM 601813.
Exudative vitreoretinopathy 1 (EVR1). Also called: CRISWICK-SCHEPENS SYNDROME; FEVR, AUTOSOMAL DOMINANT; Familial exudative vitreoretinopathy, autosomal dominant. Identifiers: Orphanet 891, Orphanet 90050, MedGen C1851402, MONDO:0007589, OMIM 133780.
Osteoporosis with pseudoglioma (OPPG). Also called: osteoporosis-pseudoglioma syndrome. Identifiers: Orphanet 2788, MedGen C0432252, MONDO:0009820, OMIM 259770.
Worth disease. Also called: OSTEOSCLEROSIS, AUTOSOMAL DOMINANT; ENDOSTEAL HYPEROSTOSIS, AUTOSOMAL DOMINANT; Autosomal dominant osteosclerosis, Worth type. Identifiers: Orphanet 2790, MedGen C0432273, MONDO:0007764, OMIM 144750.
Autosomal dominant osteopetrosis 1 (OPTA1). Also called: OSTEOPETROSIS, AUTOSOMAL DOMINANT, TYPE I. Identifiers: Orphanet 2783, MedGen C1843330, MONDO:0011877, OMIM 607634.
Osteoporosis. Identifiers: MedGen C0029456, MONDO:0005298, OMIM 166710, HP:0000939.
Polycystic liver disease 4 with or without kidney cysts. Identifiers: MedGen C4693479, MONDO:0044327, OMIM 617875.
LRP5-related disorder. Also called: LRP5-related condition.

Allele frequency attached by ClinVar (database versions not stated): TOPMed 0.00001; gnomAD 0.00002; gnomAD exomes 0.00002 and 0.00011; ExAC 0.00012.
gnomAD v4.1: 32 of 1,614,022 alleles (0.002%); highest among the groups gnomAD compares: Admixed American, 0.052%; no homozygotes.

Submissions (4):

Labcorp Genetics (formerly Invitae), Labcorp
Classification: Likely benign. Last evaluated: 2025-08-19. Review status: criteria provided, single submitter. Criteria: Invitae Variant Classification Sherloc (09022015). Collection method: clinical testing. Allele origin: germline.

Blueprint Genetics
Classification: Likely benign. Last evaluated: 2022-09-02. Review status: criteria provided, single submitter. Criteria: ACMG Guidelines, 2015. Collection method: clinical testing. Allele origin: germline.

Fulgent Genetics
Classification: Likely benign for Exudative vitreoretinopathy 1; Worth disease; Osteoporosis; Osteoporosis with pseudoglioma; Exudative vitreoretinopathy 4; Bone mineral density quantitative trait locus 1; Autosomal dominant osteopetrosis 1; Polycystic liver disease 4 with or without kidney cysts. Last evaluated: 2021-10-23. Review status: criteria provided, single submitter. Criteria: ACMG Guidelines, 2015. Collection method: clinical testing. Allele origin: unknown.

PreventionGenetics, part of Exact Sciences
Classification: Likely benign for LRP5-related condition. Last evaluated: 2024-09-05. Review status: no assertion criteria provided. Collection method: clinical testing. Allele origin: germline. Not counted in ClinVar's aggregate classification.
Comment: This variant is classified as likely benign based on ACMG/AMP sequence variant interpretation guidelines (Richards et al. 2015 PMID: 25741868, with internal and published modifications).